The following is an entry in ClinVar:

NM_002972.4(SBF1):c.3782G>A (p.Arg1261His)

Gene: SBF1 (SET binding factor 1; minus strand). Cytogenetic location: 22q13.33.
Variant type: single nucleotide variant.
Coding change: c.3782G>A on transcript NM_002972.4 (MANE Select); coding-DNA position 3782, G replaced by A.
Protein change: p.Arg1261His; replaces arginine 1261 with histidine.
Molecular consequence: missense variant.
Genome position (GRCh38, 1-based): chr22:50,459,299, C>T on the plus strand (G>A on the coding strand, the complement: SBF1 is on the minus strand). VCF-style: chr22-50459299-C-T. GRCh37 (hg19) VCF-style: chr22-50897728-C-T.
Other names: c.3785G>A, p.Arg1262His (NM_001365819.1); c.3782G>A (NM_002972.2); short protein forms R1261H, R1262H.
Identifiers: ClinVar variation 1416655 (VCV001416655.4), dbSNP rs780313800, ClinGen allele CA10316565.

ClinVar aggregate classification (germline): Uncertain significance. Review status: criteria provided, multiple submitters, no conflicts (2 of 4 stars). 2 submissions from 2 submitters: Uncertain significance (2). Last evaluated 2024-03-07.

Allele frequency attached by ClinVar (database versions not stated): TOPMed below 0.00001; ExAC 0.00001; gnomAD 0.00001; gnomAD exomes 0.00001.
gnomAD v4.1: 8 of 1,611,556 alleles (0.0005%); highest among the groups gnomAD compares: East Asian, 0.011%; no homozygotes.

Submissions (2):

Ambry Genetics
Classification: Uncertain significance. Last evaluated: 2024-03-07. Review status: criteria provided, single submitter. Criteria: Ambry Variant Classification Scheme 2023. Collection method: clinical testing. Allele origin: germline.

Labcorp Genetics (formerly Invitae), Labcorp
Classification: Uncertain significance. Last evaluated: 2022-08-16. Review status: criteria provided, single submitter. Criteria: Invitae Variant Classification Sherloc (09022015). Collection method: clinical testing. Allele origin: germline.
Comment: This sequence change replaces arginine, which is basic and polar, with histidine, which is basic and polar, at codon 1261 of the SBF1 protein (p.Arg1261His). This variant is present in population databases (rs780313800, gnomAD 0.02%). This variant has not been reported in the literature in individuals affected with SBF1-related conditions. ClinVar contains an entry for this variant (Variation ID: 1416655). Algorithms developed to predict the effect of missense changes on protein structure and function are either unavailable or do not agree on the potential impact of this missense change (SIFT: "Tolerated"; PolyPhen-2: "Probably Damaging"; Align-GVGD: "Class C0"). In summary, the available evidence is currently insufficient to determine the role of this variant in disease. Therefore, it has been classified as a Variant of Uncertain Significance.